The following is an entry in ClinVar:

NM_000548.5(TSC2):c.4977T>G (p.Leu1659=)

Gene: TSC2 (TSC complex subunit 2; plus strand). Cytogenetic location: 16p13.3.
Variant type: single nucleotide variant.
Coding change: c.4977T>G on transcript NM_000548.5 (MANE Select); coding-DNA position 4977, T replaced by G.
Protein change: p.Leu1659=; no amino-acid change (leucine 1659 retained).
Molecular consequence: synonymous variant.
Genome position (GRCh38, 1-based): chr16:2,086,859, T>G. VCF-style: chr16-2086859-T-G. GRCh37 (hg19) VCF-style: chr16-2136860-T-G.
Other names: c.4776T>G, p.Leu1592= (NM_001077183.3); c.4908T>G, p.Leu1636= (NM_001114382.3); c.4668T>G, p.Leu1556= (NM_001318827.2); c.4632T>G, p.Leu1544= (NM_001318829.2); c.4245T>G, p.Leu1415= (NM_001318831.2); c.4845T>G, p.Leu1615= (NM_001370404.1); c.4848T>G, p.Leu1616= (NM_001370405.1, NM_021055.3); c.4809T>G, p.Leu1603= (NM_001318832.2); and 2 more.
Identifiers: ClinVar variation 1552930 (VCV001552930.12), dbSNP rs2090868794, ClinGen allele CA492960047.
Genomic context (GRCh38, chr16:2,086,859, plus strand): 5'-CCACCTGGGCAACGACTTTGTGTCCATTGTCTACAATGACTCCGGTGAGGACTTCAAGCT[T>G]GGCACCATCAAGGTGAGTGAGGGGCCGTCAGTGAGGCTGGGCCCCAGGCAGGTGCCCACT-3'
Protein context (NP_000539.2, residues 1649-1669): VYNDSGEDFK[Leu1659=]GTIKGQFNFV

ClinVar aggregate classification (germline): Benign/Likely benign. Review status: criteria provided, multiple submitters, no conflicts (2 of 4 stars). 4 submissions from 4 submitters: Benign (1); Likely benign (2). 1 of the submissions does not count toward it. Last evaluated 2025-06-25.

Conditions:
TSC2-related disorder. Also called: TSC2-related condition; TSC2-Related Disorders.
Tuberous sclerosis 2 (TSC2). Identifiers: Orphanet 805, MedGen C1860707, MONDO:0013199, OMIM 613254.
Hereditary cancer-predisposing syndrome. Also called: Neoplastic Syndromes, Hereditary; Tumor predisposition; Hereditary neoplastic syndrome; Hereditary Cancer Syndrome. Identifiers: Orphanet 140162, MedGen C0027672, MeSH D009386, MONDO:0015356.

Allele frequency attached by ClinVar (database versions not stated): gnomAD 0.00001; TOPMed 0.00001.
gnomAD v4.1: 1 of 1,594,202 alleles (0.000063%); highest among the groups gnomAD compares: African/African-American, 0.0013%; no homozygotes.

Submissions (4):

Labcorp Genetics (formerly Invitae), Labcorp
Classification: Likely benign for Tuberous sclerosis 2. Last evaluated: 2025-06-25. Review status: criteria provided, single submitter. Criteria: Invitae Variant Classification Sherloc (09022015). Collection method: clinical testing. Allele origin: germline.

Myriad Genetics, Inc.
Classification: Benign for Tuberous sclerosis 2. Last evaluated: 2025-06-05. Review status: criteria provided, single submitter. Criteria: Myriad Autosomal Dominant, Autosomal Recessive and X-Linked Classification Criteria (2023). Collection method: clinical testing. Allele origin: unknown.
Comment: This variant is considered benign. This variant is a silent/synonymous amino acid change and it is not expected to impact splicing.

Ambry Genetics
Classification: Likely benign for Hereditary cancer-predisposing syndrome. Last evaluated: 2021-05-24. Review status: criteria provided, single submitter. Criteria: Ambry Variant Classification Scheme 2023. Collection method: clinical testing. Allele origin: germline.

PreventionGenetics, part of Exact Sciences
Classification: Likely benign for TSC2-related condition. Last evaluated: 2024-05-29. Review status: no assertion criteria provided. Collection method: clinical testing. Allele origin: germline. Not counted in ClinVar's aggregate classification.
Comment: This variant is classified as likely benign based on ACMG/AMP sequence variant interpretation guidelines (Richards et al. 2015 PMID: 25741868, with internal and published modifications).